The following is an entry in ClinVar:

ClinVar aggregate classification (germline): Likely benign (1 of 4 stars; one submission).

Allele frequency attached by ClinVar (database versions not stated): 1000 Genomes Project 0.00020; 1000 Genomes Project 30x 0.00031; ExAC 0.00073; TOPMed 0.00082; gnomAD 0.00083; ESP Exome Variant Server 0.00123; gnomAD exomes 0.00127.
gnomAD v4.1: 2,005 of 1,606,098 alleles (0.12%); highest among the groups gnomAD compares: Non-Finnish European, 0.16%; 2 homozygotes.

Submission:

CeGaT Center for Human Genetics Tuebingen
Classification: Likely benign. Last evaluated: 2022-10-01. Review status: criteria provided, single submitter. Criteria: CeGaT Center For Human Genetics Tuebingen Variant Classification Criteria Version 2. Collection method: clinical testing. Allele origin: germline. Affected: yes. Observed: 1 variant allele.
Comment: FABP2: BP4, BP7

NM_000134.4(FABP2):c.147A>C (p.Thr49=)

Gene: FABP2 (fatty acid binding protein 2; minus strand). Cytogenetic location: 4q26.
Variant type: single nucleotide variant.
Coding change: c.147A>C on transcript NM_000134.4 (MANE Select); coding-DNA position 147, A replaced by C.
Protein change: p.Thr49=; no amino-acid change (threonine 49 retained).
Molecular consequence: synonymous variant.
Genome position (GRCh38, 1-based): chr4:119,320,763, T>G on the plus strand (A>C on the coding strand, the complement: FABP2 is on the minus strand). VCF-style: chr4-119320763-T-G. GRCh37 (hg19) VCF-style: chr4-120241918-T-G.
Identifiers: ClinVar variation 2655053 (VCV002655053.24), dbSNP rs141065396, ClinGen allele CA3059788.